The following is an entry in ClinVar:

NM_000302.4(PLOD1):c.1756-20T>G

Gene: PLOD1 (procollagen-lysine,2-oxoglutarate 5-dioxygenase 1; plus strand). Cytogenetic location: 1p36.22.
Variant type: single nucleotide variant.
Coding change: c.1756-20T>G on transcript NM_000302.4 (MANE Select); 20 bases into the intron before coding-DNA position 1756, T replaced by G.
Molecular consequence: intron variant.
Genome position (GRCh38, 1-based): chr1:11,970,650, T>G. VCF-style: chr1-11970650-T-G. GRCh37 (hg19) VCF-style: chr1-12030707-T-G.
Other names: c.1897-20T>G (NM_001316320.2).
Identifiers: ClinVar variation 1421523 (VCV001421523.8), dbSNP rs1310114003, ClinGen allele CA521202541.
Genomic context (GRCh38, chr1:11,970,650, plus strand): 5'-CGGGTGTAGGAGAGGGGAGTAGACAGAGCCTGGGGGCCATCCTAGAATTCTGCCTAAACA[T>G]TCACCTCGGTCACCTCCAGGACAACCGCATCCAGGGTGGCTACGAGAACGTGCCGACTAT-3'

ClinVar aggregate classification (germline): Uncertain significance (1 of 4 stars; one submission).

Conditions:
Ehlers-Danlos syndrome, kyphoscoliotic type 1 (EDSKSCL1). Also called: Ehlers-Danlos syndrome, hydroxylysine-deficient; EHLERS-DANLOS SYNDROME, TYPE VIA; EHLERS-DANLOS SYNDROME, OCULAR-SCOLIOTIC TYPE; PLOD1-Related Kyphoscoliotic Ehlers-Danlos Syndrome. Identifiers: Orphanet 1900, MedGen C0268342, MONDO:0016002, OMIM 225400. Disease mechanism: loss of function.

Allele frequency attached by ClinVar (database versions not stated): gnomAD exomes below 0.00001.
gnomAD v4.1: 3 of 1,612,318 alleles (0.00019%); highest among the groups gnomAD compares: South Asian, 0.0011%; no homozygotes.

Submission:

Labcorp Genetics (formerly Invitae), Labcorp
Classification: Uncertain significance for Ehlers-Danlos syndrome, kyphoscoliotic type 1. Last evaluated: 2021-06-13. Review status: criteria provided, single submitter. Criteria: Invitae Variant Classification Sherloc (09022015). Collection method: clinical testing. Allele origin: germline.
Comment: This sequence change falls in intron 16 of the PLOD1 gene. It does not directly change the encoded amino acid sequence of the PLOD1 protein. In summary, the available evidence is currently insufficient to determine the role of this variant in disease. Therefore, it has been classified as a Variant of Uncertain Significance. Algorithms developed to predict the effect of sequence changes on RNA splicing suggest that this variant may create or strengthen a splice site, but this prediction has not been confirmed by published transcriptional studies. This variant has not been reported in the literature in individuals with PLOD1-related conditions. This variant is not present in population databases (ExAC no frequency).